The following is an entry in ClinVar:

NM_001267550.2(TTN):c.55800G>A (p.Trp18600Ter)

Genes: TTN-AS1 (TTN antisense RNA 1; plus strand), TTN (titin; minus strand). Cytogenetic location: 2q31.2.
Variant type: single nucleotide variant.
Coding change: c.55800G>A on transcript NM_001267550.2 (MANE Select); coding-DNA position 55800, G replaced by A.
Protein change: p.Trp18600Ter; replaces tryptophan 18600 with a stop codon.
Molecular consequence: nonsense.
Genome position (GRCh38, 1-based): chr2:178,601,104, C>T on the plus strand (G>A on the coding strand, the complement: TTN is on the minus strand). VCF-style: chr2-178601104-C-T. GRCh37 (hg19) VCF-style: chr2-179465831-C-T.
Other names: c.50877G>A, p.Trp16959Ter (NM_001256850.1); c.28605G>A, p.Trp9535Ter (NM_003319.4); c.28980G>A, p.Trp9660Ter (NM_133432.3); c.29181G>A, p.Trp9727Ter (NM_133437.4); c.48096G>A, p.Trp16032Ter (NM_133378.4); short protein forms W16032*, W18600*, W16959*, W9535*, W9727*, W9660*.
Identifiers: ClinVar variation 165964 (VCV000165964.7), dbSNP rs727503598, ClinGen allele CA273267.

ClinVar aggregate classification (germline): Likely pathogenic. Review status: criteria provided, multiple submitters, no conflicts (2 of 4 stars). 2 submissions from 2 submitters: Likely pathogenic (2). Last evaluated 2024-10-17.

Conditions:
Dilated cardiomyopathy 1G (CMD1G). Identifiers: Orphanet 154, MedGen C1858763, MONDO:0011400, OMIM 604145.
Autosomal recessive limb-girdle muscular dystrophy type 2J (LGMDR10). Also called: Limb-girdle muscular dystrophy, type 2J; MUSCULAR DYSTROPHY, LIMB-GIRDLE, AUTOSOMAL RECESSIVE 10. Identifiers: Orphanet 140922, MedGen C1837342, MONDO:0012127, OMIM 608807.
Primary dilated cardiomyopathy (DCM). Also called: Dilated Cardiomyopathy. Identifiers: Orphanet 217604, MedGen C0007193, MeSH D002311, MONDO:0005021, HP:0001644. Inheritance: Various modes of inheritance.

Allele frequency attached by ClinVar (database versions not stated): gnomAD exomes below 0.00001.
gnomAD v4.1: 1 of 1,599,024 alleles (0.000063%); highest among the groups gnomAD compares: Non-Finnish European, 0.000085%; no homozygotes.

Submissions (2):

Labcorp Genetics (formerly Invitae), Labcorp
Classification: Likely pathogenic for Dilated cardiomyopathy 1G; Autosomal recessive limb-girdle muscular dystrophy type 2J. Last evaluated: 2024-10-17. Review status: criteria provided, single submitter. Criteria: Invitae Variant Classification Sherloc (09022015). Collection method: clinical testing. Allele origin: germline.
Comment: This sequence change creates a premature translational stop signal (p.Trp18600*) in the TTN gene. While this is not anticipated to result in nonsense mediated decay, it is expected to create a truncated TTN protein. This variant is not present in population databases (gnomAD no frequency). This variant has not been reported in the literature in individuals affected with TTN-related conditions. ClinVar contains an entry for this variant (Variation ID: 165964). This variant is located in the A band of TTN (PMID: 25589632). Truncating variants in this region are significantly overrepresented in patients affected with dilated cardiomyopathy (PMID: 25589632). Truncating variants in this region have also been reported in individuals affected with autosomal recessive centronuclear myopathy (PMID: 23975875). In summary, the currently available evidence indicates that the variant is pathogenic, but additional data are needed to prove that conclusively. Therefore, this variant has been classified as Likely Pathogenic.

Laboratory for Molecular Medicine, Mass General Brigham Personalized Medicine
Classification: Likely pathogenic for Primary dilated cardiomyopathy. Last evaluated: 2014-03-12. Review status: criteria provided, single submitter. Criteria: LMM Criteria. Collection method: clinical testing. Allele origin: germline. Inheritance: Autosomal dominant inheritance. Observed: 1 variant allele.
Comment: The Trp16032X variant in TTN has not been previously reported in individuals wit h cardiomyopathy or in large population studies. This nonsense variant leads to a premature termination codon at position 16032, which is predicted to lead to a truncated or absent protein. Nonsense and other truncating variants in TTN are strongly associated with DCM and the majority occur in the A-band (Herman 2012, Pugh 2014), where this variant is located. In summary, this variant is likely to be pathogenic, though additional studies are required to fully establish its cl inical significance.

Literature cited by the submitters: PubMed 25589632 (cited by Labcorp Genetics (formerly Invitae), Labcorp); PubMed 23975875 (cited by Labcorp Genetics (formerly Invitae), Labcorp).